The following is an entry in ClinVar:

ClinVar aggregate classification (germline): Benign/Likely benign. Review status: criteria provided, multiple submitters, no conflicts (2 of 4 stars). 3 submissions from 3 submitters: Benign (1); Likely benign (2). Last evaluated 2025-09-21.

Conditions:
Hereditary cancer-predisposing syndrome. Also called: Neoplastic Syndromes, Hereditary; Tumor predisposition; Hereditary neoplastic syndrome; Hereditary Cancer Syndrome. Identifiers: Orphanet 140162, MedGen C0027672, MeSH D009386, MONDO:0015356.
Hereditary diffuse gastric adenocarcinoma (HDGC). Also called: DIFFUSE GASTRIC AND LOBULAR BREAST CANCER SYNDROME. Identifiers: Orphanet 26106, MedGen C1708349, MONDO:0007648, OMIM 137215.

Submissions (3):

Labcorp Genetics (formerly Invitae), Labcorp
Classification: Likely benign. Last evaluated: 2025-09-21. Review status: criteria provided, single submitter. Criteria: Invitae Variant Classification Sherloc (09022015). Collection method: clinical testing. Allele origin: germline.

Myriad Genetics, Inc.
Classification: Benign for Hereditary diffuse gastric adenocarcinoma. Last evaluated: 2024-10-11. Review status: criteria provided, single submitter. Criteria: Myriad Autosomal Dominant, Autosomal Recessive and X-Linked Classification Criteria (2023). Collection method: clinical testing. Allele origin: unknown.
Comment: This variant is considered benign. This variant is a silent/synonymous amino acid change and it is not expected to impact splicing.

Ambry Genetics
Classification: Likely benign for Hereditary cancer-predisposing syndrome. Last evaluated: 2021-08-23. Review status: criteria provided, single submitter. Criteria: Ambry Variant Classification Scheme 2023. Collection method: clinical testing. Allele origin: germline.

NM_001903.5(CTNNA1):c.1230T>C (p.Asn410=)

Gene: CTNNA1 (catenin alpha 1; plus strand). Cytogenetic location: 5q31.2.
Variant type: single nucleotide variant.
Coding change: c.1230T>C on transcript NM_001903.5 (MANE Select); coding-DNA position 1230, T replaced by C.
Protein change: p.Asn410=; no amino-acid change (asparagine 410 retained).
Molecular consequence: synonymous variant. On other transcripts: 5 prime UTR variant (5), intron variant (2).
Genome position (GRCh38, 1-based): chr5:138,887,576, T>C. VCF-style: chr5-138887576-T-C. GRCh37 (hg19) VCF-style: chr5-138223265-T-C.
Other names: c.1230T>C, p.Asn410= (NM_001290307.3, NM_001323982.2, NM_001323983.1 and 3 more transcripts); c.921T>C, p.Asn307= (NM_001290309.3); c.861T>C, p.Asn287= (NM_001290310.3); c.120T>C, p.Asn40= (NM_001290312.1, NM_001323987.1, NM_001323988.1 and 18 more transcripts); c.-278T>C (NM_001324006.1, NM_001324007.1, NM_001324008.1 and 1 more transcripts); c.-153T>C (NM_001324013.1); c.-58+11979T>C (NM_001324012.1); c.-61+11979T>C (NM_001324010.1).
Identifiers: ClinVar variation 1755528 (VCV001755528.4), dbSNP rs2533014822, ClinGen allele CA446589962.